The following is an entry in ClinVar:

NM_002880.4(RAF1):c.62T>C (p.Val21Ala)

Gene: RAF1 (Raf-1 proto-oncogene, serine/threonine kinase; minus strand). Cytogenetic location: 3p25.2.
Variant type: single nucleotide variant.
Coding change: c.62T>C on transcript NM_002880.4 (MANE Select); coding-DNA position 62, T replaced by C.
Protein change: p.Val21Ala; replaces valine 21 with alanine.
Molecular consequence: missense variant. On other transcripts: 5 prime UTR variant (4), non-coding transcript variant (3).
Genome position (GRCh38, 1-based): chr3:12,618,660, A>G on the plus strand (T>C on the coding strand, the complement: RAF1 is on the minus strand). VCF-style: chr3-12618660-A-G. GRCh37 (hg19) VCF-style: chr3-12660159-A-G.
Other names: c.62T>C, p.Val21Ala (NM_001354689.3, NM_001354690.3, NM_001354693.3); c.-69T>C (NM_001354691.3, NM_001354692.3, NM_001354694.3 and 1 more transcripts); short protein forms V21A.
Identifiers: ClinVar variation 1053194 (VCV001053194.10), dbSNP rs1306287046, ClinGen allele CA351485152.

ClinVar aggregate classification (germline): Uncertain significance. Review status: criteria provided, multiple submitters, no conflicts (2 of 4 stars). 2 submissions from 2 submitters: Uncertain significance (2). Last evaluated 2025-11-12.

Conditions:
RASopathy. Also called: rasopathies; Noonan spectrum disorder. Identifiers: Orphanet 536391, MedGen C5555857, MONDO:0021060.

gnomAD v4.1: 1 of 1,614,218 alleles (0.000062%); highest among the groups gnomAD compares: Non-Finnish European, 0.000085%; no homozygotes.

Submissions (2):

Labcorp Genetics (formerly Invitae), Labcorp
Classification: Uncertain significance for RASopathy. Last evaluated: 2025-11-12. Review status: criteria provided, single submitter. Criteria: Invitae Variant Classification Sherloc (09022015). Collection method: clinical testing. Allele origin: germline.
Comment: This sequence change replaces valine, which is neutral and non-polar, with alanine, which is neutral and non-polar, at codon 21 of the RAF1 protein (p.Val21Ala). This variant is not present in population databases (gnomAD no frequency). This variant has not been reported in the literature in individuals affected with RAF1-related conditions. ClinVar contains an entry for this variant (Variation ID: 1053194). Invitae Evidence Modeling of protein sequence and biophysical properties (such as structural, functional, and spatial information, amino acid conservation, physicochemical variation, residue mobility, and thermodynamic stability) indicates that this missense variant is not expected to disrupt RAF1 protein function with a negative predictive value of 95%. In summary, the available evidence is currently insufficient to determine the role of this variant in disease. Therefore, it has been classified as a Variant of Uncertain Significance.

GeneDx
Classification: Uncertain significance. Last evaluated: 2022-04-29. Review status: criteria provided, single submitter. Criteria: GeneDx Variant Classification Process June 2021. Collection method: clinical testing. Allele origin: germline. Affected: yes.
Comment: Not observed at significant frequency in large population cohorts (gnomAD); Missense variants in this gene are often considered pathogenic (HGMD); In silico analysis supports that this missense variant does not alter protein structure/function; Has not been previously published as pathogenic or benign to our knowledge